The following is an entry in ClinVar:

ClinVar aggregate classification (germline): Uncertain significance (1 of 4 stars; one submission).

gnomAD v4.1: 50 of 1,613,730 alleles (0.0031%); highest among the groups gnomAD compares: Non-Finnish European, 0.00034%; no homozygotes.

Submission:

Labcorp Genetics (formerly Invitae), Labcorp
Classification: Uncertain significance. Last evaluated: 2022-04-25. Review status: criteria provided, single submitter. Criteria: Invitae Variant Classification Sherloc (09022015). Collection method: clinical testing. Allele origin: germline.
Comment: In summary, the available evidence is currently insufficient to determine the role of this variant in disease. Therefore, it has been classified as a Variant of Uncertain Significance. Algorithms developed to predict the effect of missense changes on protein structure and function are either unavailable or do not agree on the potential impact of this missense change (SIFT: "Deleterious"; PolyPhen-2: "Benign"; Align-GVGD: "Class C35"). This variant has not been reported in the literature in individuals affected with LTBP2-related conditions. This variant is present in population databases (rs770132775, gnomAD 0.09%). This sequence change replaces arginine, which is basic and polar, with leucine, which is neutral and non-polar, at codon 247 of the LTBP2 protein (p.Arg247Leu).

NM_000428.3(LTBP2):c.740G>T (p.Arg247Leu)

Gene: LTBP2 (latent transforming growth factor beta binding protein 2; minus strand). Cytogenetic location: 14q24.3.
Variant type: single nucleotide variant.
Coding change: c.740G>T on transcript NM_000428.3 (MANE Select); coding-DNA position 740, G replaced by T.
Protein change: p.Arg247Leu; replaces arginine 247 with leucine.
Molecular consequence: missense variant.
Genome position (GRCh38, 1-based): chr14:74,585,944, C>A on the plus strand (G>T on the coding strand, the complement: LTBP2 is on the minus strand). VCF-style: chr14-74585944-C-A. GRCh37 (hg19) VCF-style: chr14-75052647-C-A.
Other names: short protein forms R247L.
Identifiers: ClinVar variation 1949099 (VCV001949099.5), dbSNP rs770132775, ClinGen allele CA7270107.